The following is an entry in ClinVar:

NM_000246.4(CIITA):c.2490del (p.Gly831fs)

Gene: CIITA (class II major histocompatibility complex transactivator; plus strand). Cytogenetic location: 16p13.13.
Variant type: Deletion.
Coding change: c.2490del on transcript NM_000246.4 (MANE Select); coding-DNA position 2490, one base deleted (C; older notation c.2490delC).
Protein change: p.Gly831fs; shifts the reading frame from glycine 831.
Molecular consequence: frameshift variant. On other transcripts: intron variant (1).
Genome position (GRCh38, 1-based): chr16:10,907,982, C deleted; the last of 4 consecutive C bases (chr16:10,907,979-10,907,982); deleting any one gives the same sequence. VCF-style (leftmost placement, unchanged base first): chr16-10907978-TC-T. GRCh37 (hg19) VCF-style: chr16-11001835-TC-T.
Other names: c.2493del, p.Gly832fs (NM_001286402.1, NM_001379332.1); c.2346del, p.Gly783fs (NM_001379330.1); c.2343del, p.Gly782fs (NM_001379331.1); c.2490del, p.Gly831fs (NM_001379333.1); c.2421del, p.Gly808fs (NM_001379334.1); c.860-1001del (NM_001286403.2); short protein forms G783fs, G831fs, G832fs, G782fs, G808fs.
Identifiers: ClinVar variation 1460015 (VCV001460015.6), dbSNP rs2144743381, ClinGen allele CA2573151896.

ClinVar aggregate classification (germline): Pathogenic (1 of 4 stars; one submission).

Conditions:
MHC class II deficiency. Also called: BLS, TYPE II; Bare lymphocyte syndrome 2. Identifiers: Orphanet 572, MedGen C5447452, MONDO:0008855.

Submission:

Labcorp Genetics (formerly Invitae), Labcorp
Classification: Pathogenic for MHC class II deficiency. Last evaluated: 2020-12-10. Review status: criteria provided, single submitter. Criteria: Invitae Variant Classification Sherloc (09022015). Collection method: clinical testing. Allele origin: germline.
Comment: This sequence change creates a premature translational stop signal (p.Gly831Alafs*59) in the CIITA gene. It is expected to result in an absent or disrupted protein product. Loss-of-function variants in CIITA are known to be pathogenic (PMID: 8402893, 9099848, 26271388). This variant is not present in population databases (ExAC no frequency). This variant has not been reported in the literature in individuals with CIITA-related conditions. For these reasons, this variant has been classified as Pathogenic.

Literature cited by the submitters: PubMed 8402893; PubMed 9099848; PubMed 26271388.